The following is an entry in ClinVar:

NM_006231.4(POLE):c.2701G>T (p.Val901Phe)

Gene: POLE (DNA polymerase epsilon, catalytic subunit; minus strand). Cytogenetic location: 12q24.33.
Variant type: single nucleotide variant.
Coding change: c.2701G>T on transcript NM_006231.4 (MANE Select); coding-DNA position 2701, G replaced by T.
Protein change: p.Val901Phe; replaces valine 901 with phenylalanine.
Molecular consequence: missense variant.
Genome position (GRCh38, 1-based): chr12:132,664,009, C>A on the plus strand (G>T on the coding strand, the complement: POLE is on the minus strand). VCF-style: chr12-132664009-C-A. GRCh37 (hg19) VCF-style: chr12-133240595-C-A.
Other names: c.2701G>T (NM_006231.2); short protein forms V901F.
Identifiers: ClinVar variation 961229 (VCV000961229.12), dbSNP rs1565960706, ClinGen allele CA387394915.
Genomic context (GRCh38, chr12:132,664,009, plus strand): 5'-CAGGGCACTGACGCCAGGCCAGCCAGAGCTTCAGGACCAGAGGCCCCAGACTCACCTTGA[C>A]CATGATGTTCAACATGGCGCCTGGGTAGGAGATGGTCACTTTGGGCTTCTTCACATTGGT-3'
Protein context (NP_006222.2, residues 891-911): SYPGAMLNIM[Val901Phe]KEGFTNDQYQ

ClinVar aggregate classification (germline): Uncertain significance. Review status: criteria provided, multiple submitters, no conflicts (2 of 4 stars). 2 submissions from 2 submitters: Uncertain significance (2). Last evaluated 2025-07-17.

Conditions:
Hereditary cancer-predisposing syndrome. Also called: Tumor predisposition; Hereditary neoplastic syndrome; Hereditary Cancer Syndrome; Neoplastic Syndromes, Hereditary. Identifiers: Orphanet 140162, MedGen C0027672, MeSH D009386, MONDO:0015356.

Submissions (2):

Ambry Genetics
Classification: Uncertain significance for Hereditary cancer-predisposing syndrome. Last evaluated: 2025-07-17. Review status: criteria provided, single submitter. Criteria: Ambry Variant Classification Scheme 2023. Collection method: clinical testing. Allele origin: germline.
Comment: The p.V901F variant (also known as c.2701G>T), located in coding exon 23 of the POLE gene, results from a G to T substitution at nucleotide position 2701. The valine at codon 901 is replaced by phenylalanine, an amino acid with highly similar properties. This amino acid position is conserved. In addition, this alteration is predicted to be deleterious by in silico analysis. Since supporting evidence is limited at this time, the clinical significance of this alteration remains unclear.

Labcorp Genetics (formerly Invitae), Labcorp
Classification: Uncertain significance. Last evaluated: 2025-05-12. Review status: criteria provided, single submitter. Criteria: Invitae Variant Classification Sherloc (09022015). Collection method: clinical testing. Allele origin: germline.
Comment: This sequence change replaces valine, which is neutral and non-polar, with phenylalanine, which is neutral and non-polar, at codon 901 of the POLE protein (p.Val901Phe). This variant is not present in population databases (gnomAD no frequency). This variant has not been reported in the literature in individuals affected with POLE-related conditions. ClinVar contains an entry for this variant (Variation ID: 961229). Invitae Evidence Modeling of protein sequence and biophysical properties (such as structural, functional, and spatial information, amino acid conservation, physicochemical variation, residue mobility, and thermodynamic stability) indicates that this missense variant is expected to disrupt POLE protein function with a positive predictive value of 80%. In summary, the available evidence is currently insufficient to determine the role of this variant in disease. Therefore, it has been classified as a Variant of Uncertain Significance.